The following is an entry in ClinVar:

ClinVar aggregate classification (germline): Uncertain significance (1 of 4 stars; one submission).

Submission:

GeneDx
Classification: Uncertain significance. Last evaluated: 2025-03-02. Review status: criteria provided, single submitter. Criteria: GeneDx Variant Classification Process June 2021. Collection method: clinical testing. Allele origin: germline. Affected: yes.
Comment: Not observed at significant frequency in large population cohorts (gnomAD); In-frame duplication of 2 amino acid(s) in a non-repeat region; Has not been previously published as pathogenic or benign to our knowledge

NM_001470.4(GABBR1):c.2335CTG[7] (p.Leu783_Gly784insLeuLeu)

Gene: GABBR1 (gamma-aminobutyric acid type B receptor subunit 1; minus strand). Cytogenetic location: 6p22.1.
Variant type: Microsatellite.
Coding change: c.2335CTG[7] on transcript NM_001470.4 (MANE Select); seven copies in a row of the 3-base unit CTG starting at c.2335; the reference has five copies in a row; two copies, 6 bases duplicated.
Protein change: p.Leu783_Gly784insLeuLeu.
Genome position (GRCh38, 1-based): chr6:29,605,659-29,605,664, CAGCAG duplicated on the plus strand (CTGCTG on the coding strand, the reverse complement: GABBR1 is on the minus strand); duplicating any 6 consecutive bases within chr6:29,605,659-29,605,674 gives the same sequence; the position shown is the placement nearest the transcript's 3' end. VCF-style (leftmost placement, unchanged base first): chr6-29605658-C-CCAGCAG. GRCh37 (hg19) VCF-style: chr6-29573435-C-CCAGCAG.
Other names: c.1804CTG[7], p.Leu606_Gly607insLeuLeu (NM_001319053.2); c.1984CTG[7], p.Leu666_Gly667insLeuLeu (NM_021903.3); c.2149CTG[7], p.Leu721_Gly722insLeuLeu (NM_021904.4).
Identifiers: ClinVar variation 4082551 (VCV004082551.1).
Genomic context (GRCh38, chr6:29,605,658, plus strand): 5'-CCCGGTGATCATTGATCTTCTCAGTGGACACACTCTTGGTCTCATAAGCAAGGAAGATTC[C>CCAGCAG]CAGCAGCAGCAGCAGCCCCTTGTAACCATAGAAAATGCCTAGGATGGCAGGAGAGAGTCA-3'